The following is an entry in ClinVar:

ClinVar aggregate classification (germline): Uncertain significance (1 of 4 stars; one submission).

Allele frequency attached by ClinVar (database versions not stated): ExAC 0.00002; gnomAD 0.00007; ESP Exome Variant Server 0.00008; TOPMed 0.00008; 1000 Genomes Project 0.00020; 1000 Genomes Project 30x 0.00031.
gnomAD v4.1: 16 of 1,606,818 alleles (0.001%); highest among the groups gnomAD compares: African/African-American, 0.021%; no homozygotes.

Submission:

Labcorp Genetics (formerly Invitae), Labcorp
Classification: Uncertain significance. Last evaluated: 2023-12-21. Review status: criteria provided, single submitter. Criteria: Invitae Variant Classification Sherloc (09022015). Collection method: clinical testing. Allele origin: germline.
Comment: This sequence change replaces glutamine, which is neutral and polar, with glutamic acid, which is acidic and polar, at codon 63 of the GLIS3 protein (p.Gln63Glu). This variant is present in population databases (rs144718805, gnomAD 0.03%). This variant has not been reported in the literature in individuals affected with GLIS3-related conditions. ClinVar contains an entry for this variant (Variation ID: 1948354). An algorithm developed to predict the effect of missense changes on protein structure and function (PolyPhen-2) suggests that this variant is likely to be disruptive. Algorithms developed to predict the effect of sequence changes on RNA splicing suggest that this variant may create or strengthen a splice site. In summary, the available evidence is currently insufficient to determine the role of this variant in disease. Therefore, it has been classified as a Variant of Uncertain Significance.

NM_001042413.2(GLIS3):c.652C>G (p.Gln218Glu)

Gene: GLIS3 (GLIS family zinc finger 3; minus strand). Cytogenetic location: 9p24.2.
Variant type: single nucleotide variant.
Coding change: c.652C>G on transcript NM_001042413.2 (MANE Select); coding-DNA position 652, C replaced by G.
Protein change: p.Gln218Glu; replaces glutamine 218 with glutamic acid.
Molecular consequence: missense variant.
Genome position (GRCh38, 1-based): chr9:4,118,826, G>C on the plus strand (C>G on the coding strand, the complement: GLIS3 is on the minus strand). VCF-style: chr9-4118826-G-C. GRCh37 (hg19) VCF-style: chr9-4118826-G-C.
Other names: c.187C>G, p.Gln63Glu (NM_152629.4); short protein forms Q63E, Q218E.
Identifiers: ClinVar variation 1948354 (VCV001948354.4), dbSNP rs144718805, ClinGen allele CA4968464.
Genomic context (GRCh38, chr9:4,118,826, plus strand): 5'-AGAGCGAAGGGAGGGCCCTGTAGCCCTGGGACCACTCCTGCTTCATGCTTGAGGCCGACT[G>C]ACTTTCCGTCAGACTCAAGGTCGTGGACGCCAAAGACTCACGCGAAATAAGGGACCTGGA-3'
Protein context (NP_001035878.1, residues 208-228): ASTTLSLTES[Gln218Glu]SASSMKQEWS